The following is an entry in ClinVar:

NM_004183.4(BEST1):c.35C>T (p.Ala12Val)

Gene: BEST1 (bestrophin 1; plus strand). Cytogenetic location: 11q12.3.
Variant type: single nucleotide variant.
Coding change: c.35C>T on transcript NM_004183.4 (MANE Select); coding-DNA position 35, C replaced by T.
Protein change: p.Ala12Val; replaces alanine 12 with valine.
Molecular consequence: missense variant. On other transcripts: non-coding transcript variant (1), intron variant (6).
Genome position (GRCh38, 1-based): chr11:61,951,841, C>T. VCF-style: chr11-61951841-C-T. GRCh37 (hg19) VCF-style: chr11-61719313-C-T.
Other names: c.35C>T, p.Ala12Val (NM_001363592.2, NM_001440571.1, NM_001440572.1 and 1 more transcripts); c.-29+1414C>T (NM_001139443.3, NM_001300787.2, NM_001440574.1 and 3 more transcripts); short protein forms A12V.
Identifiers: ClinVar variation 1719683 (VCV001719683.5), dbSNP rs1940692591, ClinGen allele CA380831184.

ClinVar aggregate classification (germline): Uncertain significance (1 of 4 stars; one submission).

Submission:

Labcorp Genetics (formerly Invitae), Labcorp
Classification: Uncertain significance. Last evaluated: 2022-09-17. Review status: criteria provided, single submitter. Criteria: Invitae Variant Classification Sherloc (09022015). Collection method: clinical testing. Allele origin: germline.
Comment: Algorithms developed to predict the effect of sequence changes on RNA splicing suggest that this variant may create or strengthen a splice site. In summary, the available evidence is currently insufficient to determine the role of this variant in disease. Therefore, it has been classified as a Variant of Uncertain Significance. Advanced modeling of protein sequence and biophysical properties (such as structural, functional, and spatial information, amino acid conservation, physicochemical variation, residue mobility, and thermodynamic stability) performed at Invitae indicates that this missense variant is expected to disrupt BEST1 protein function. This sequence change replaces alanine, which is neutral and non-polar, with valine, which is neutral and non-polar, at codon 12 of the BEST1 protein (p.Ala12Val). This variant is not present in population databases (gnomAD no frequency). This missense change has been observed in individual(s) with clinical features of autosomal dominant retinal dystrophy (Invitae).